The following is an entry in ClinVar:

NM_001035.3(RYR2):c.1154G>C (p.Gly385Ala)

Gene: RYR2 (ryanodine receptor 2; plus strand). Cytogenetic location: 1q43.
Variant type: single nucleotide variant.
Coding change: c.1154G>C on transcript NM_001035.3 (MANE Select); coding-DNA position 1154, G replaced by C.
Protein change: p.Gly385Ala; replaces glycine 385 with alanine.
Molecular consequence: missense variant.
Genome position (GRCh38, 1-based): chr1:237,441,467, G>C. VCF-style: chr1-237441467-G-C. GRCh37 (hg19) VCF-style: chr1-237604767-G-C.
Other names: c.1154G>C, p.Gly385Ala (LRG_402t1); short protein forms G385A.
Identifiers: ClinVar variation 572658 (VCV000572658.20), dbSNP rs373148638, ClinGen allele CA084992.
Genomic context (GRCh38, chr1:237,441,467, plus strand): 5'-ATGTAGACACAGGCCTATGGCTTACTTACCAGTCTGTGGACGTGAAATCCGTGAGAATGG[G>C]ATCTATACAACGTAAGGTAAGGTGATAGAAAAAAACATAATTTATAGAAGTAATTTTTTA-3'
Protein context (NP_001026.2, residues 375-395): QSVDVKSVRM[Gly385Ala]SIQRKAIMHH

ClinVar aggregate classification (germline): Uncertain significance. Review status: criteria provided, multiple submitters, no conflicts (2 of 4 stars). 6 submissions from 6 submitters: Uncertain significance (6). Last evaluated 2026-02-03.

Conditions:
Cardiovascular phenotype. Identifiers: MedGen CN230736.
Catecholaminergic polymorphic ventricular tachycardia 1. Also called: RYR2-Related Catecholaminergic Polymorphic Ventricular Tachycardia; VENTRICULAR TACHYCARDIA, CATECHOLAMINERGIC POLYMORPHIC, 1, WITH OR WITHOUT ATRIAL DYSFUNCTION AND/OR DILATED CARDIOMYOPATHY; VENTRICULAR TACHYCARDIA, STRESS-INDUCED POLYMORPHIC 1. Identifiers: Orphanet 3286, MedGen C1631597, MONDO:0011484, OMIM 604772.
Cardiomyopathy (CMYO). Also called: Cardiomyopathies. Identifiers: Orphanet 167848, MedGen C0878544, MONDO:0004994, HP:0001638. Inheritance: Various modes of inheritance.
Catecholaminergic polymorphic ventricular tachycardia (CVPT). Also called: Catecholamine-induced polymorphic ventricular tachycardia. Identifiers: Orphanet 3286, MedGen C5574922, MONDO:0017990.

Allele frequency attached by ClinVar (database versions not stated): ExAC 0.00001; gnomAD 0.00003; TOPMed 0.00003.
gnomAD v4.1: 33 of 1,583,738 alleles (0.0021%); highest among the groups gnomAD compares: Middle Eastern, 0.034%; no homozygotes.

Submissions (6):

Labcorp Genetics (formerly Invitae), Labcorp
Classification: Uncertain significance for Catecholaminergic polymorphic ventricular tachycardia 1. Last evaluated: 2026-02-03. Review status: criteria provided, single submitter. Criteria: Invitae Variant Classification Sherloc (09022015). Collection method: clinical testing. Allele origin: germline.
Comment: This sequence change replaces glycine, which is neutral and non-polar, with alanine, which is neutral and non-polar, at codon 385 of the RYR2 protein (p.Gly385Ala). This variant is present in population databases (rs373148638, gnomAD 0.006%). This missense change has been observed in individual(s) with a referral for genetic testing (PMID: 28404607). ClinVar contains an entry for this variant (Variation ID: 572658). Invitae Evidence Modeling of protein sequence and biophysical properties (such as structural, functional, and spatial information, amino acid conservation, physicochemical variation, residue mobility, and thermodynamic stability) indicates that this missense variant is expected to disrupt RYR2 protein function with a positive predictive value of 95%. In summary, the available evidence is currently insufficient to determine the role of this variant in disease. Therefore, it has been classified as a Variant of Uncertain Significance.

Molecular Diagnostic Laboratory for Inherited Cardiovascular Disease, Montreal Heart Institute
Classification: Uncertain significance for Cardiovascular phenotype. Last evaluated: 2025-04-09. Review status: criteria provided, single submitter. Criteria: ACMG Guidelines, 2015. Collection method: clinical testing. Allele origin: germline. Affected: yes.

All of Us Research Program, National Institutes of Health
Classification: Uncertain significance for Catecholaminergic polymorphic ventricular tachycardia. Last evaluated: 2024-05-14. Review status: criteria provided, single submitter. Criteria: ACMG Guidelines, 2015. Collection method: clinical testing. Allele origin: germline. Inheritance: Autosomal dominant inheritance. Observed: 8 variant alleles, 8 heterozygotes.
Comment: This missense variant replaces glycine with alanine at codon 385 of the RYR2 protein. Computational prediction suggests that this variant may have deleterious impact on protein structure and function (internally defined REVEL score threshold >= 0.7, PMID: 27666373). To our knowledge, functional studies have not been reported for this variant. This variant has not been reported in individuals affected with cardiovascular disorders in the literature. This variant has been identified in 5/238636 chromosomes in the general population by the Genome Aggregation Database (gnomAD). The available evidence is insufficient to determine the role of this variant in disease conclusively. Therefore, this variant is classified as a Variant of Uncertain Significance.

This study involves interpretation of variants in research participants for the purpose of population health screening. Participant phenotype was not available at the time of variant classification. Additional details can be found in publication PMID: 35346344, PMCID: PMC8962531

Color Diagnostics, LLC DBA Color Health
Classification: Uncertain significance for Cardiomyopathy. Last evaluated: 2024-05-02. Review status: criteria provided, single submitter. Criteria: ACMG Guidelines, 2015. Collection method: clinical testing. Allele origin: germline.
Comment: This missense variant replaces glycine with alanine at codon 385 of the RYR2 protein. Computational prediction suggests that this variant may have deleterious impact on protein structure and function (internally defined REVEL score threshold >= 0.7, PMID: 27666373). To our knowledge, functional studies have not been reported for this variant. This variant has not been reported in individuals affected with RYR2-related disorders in the literature. This variant has been identified in 5/238636 chromosomes in the general population by the Genome Aggregation Database (gnomAD). The available evidence is insufficient to determine the role of this variant in disease conclusively. Therefore, this variant is classified as a Variant of Uncertain Significance.

Ambry Genetics
Classification: Uncertain significance for Cardiovascular phenotype. Last evaluated: 2022-02-24. Review status: criteria provided, single submitter. Criteria: Ambry Variant Classification Scheme 2023. Collection method: clinical testing. Allele origin: germline.
Comment: The p.G385A variant (also known as c.1154G>C), located in coding exon 13 of the RYR2 gene, results from a G to C substitution at nucleotide position 1154. The glycine at codon 385 is replaced by alanine, an amino acid with similar properties. This variant was reported in an exome testing cohort; however, clinical details were limited (Landstrom AP et al. Circ Arrhythm Electrophysiol, 2017 Apr;10:[Epub ahead of print]). This amino acid position is highly conserved in available vertebrate species. In addition, this alteration is predicted to be deleterious by in silico analysis. Since supporting evidence is limited at this time, the clinical significance of this alteration remains unclear.

Breakthrough Genomics
Classification: Uncertain significance. Review status: criteria provided, single submitter. Criteria: ACMG Guidelines, 2015. Collection method: not provided. Allele origin: germline. Inheritance: Autosomal dominant inheritance. Affected: yes.

Literature cited by the submitters: PubMed 28404607 (cited by Labcorp Genetics (formerly Invitae), Labcorp and Ambry Genetics).